The following is an entry in ClinVar:

NM_001355436.2(SPTB):c.2521C>T (p.Gln841Ter)

Gene: SPTB (spectrin beta, erythrocytic; minus strand). Cytogenetic location: 14q23.3.
Variant type: single nucleotide variant.
Coding change: c.2521C>T on transcript NM_001355436.2 (MANE Select); coding-DNA position 2521, C replaced by T.
Protein change: p.Gln841Ter; replaces glutamine 841 with a stop codon.
Molecular consequence: nonsense.
Genome position (GRCh38, 1-based): chr14:64,793,142, G>A on the plus strand (C>T on the coding strand, the complement: SPTB is on the minus strand). VCF-style: chr14-64793142-G-A. GRCh37 (hg19) VCF-style: chr14-65259860-G-A.
Other names: c.2521C>T, p.Gln841Ter (NM_001024858.4, NM_001355437.2); short protein forms Q841*.
Identifiers: ClinVar variation 1676993 (VCV001676993.2), dbSNP rs2503157076, ClinGen allele CA390016442.
Genomic context (GRCh38, chr14:64,793,142, plus strand): 5'-CACAGGCGTCTGTCTCCCCGAACACCGTGTACAGGTCCAGGGCTTCCTGCAGCCTCTGCT[G>A]ACGCAGGTCCGCCTGGGCCACCACCTGTTGGTAGAGCTCCCGCAGGGCCTGCAGCCGATG-3'

ClinVar aggregate classification (germline): Pathogenic. Review status: criteria provided, multiple submitters, no conflicts (2 of 4 stars). 2 submissions from 2 submitters: Pathogenic (2). Last evaluated 2022-03-01.

Conditions:
Hereditary spherocytosis type 2. Also called: SPHEROCYTOSIS, TYPE 2, AUTOSOMAL DOMINANT. Identifiers: Orphanet 822, MedGen C2674219, MONDO:0000913, OMIM 616649.
Elliptocytosis 3 (EL3). Identifiers: MedGen C1866810, MONDO:0054780, OMIM 617948.

Submissions (2):

Jiangsu Institute of Hematology, the First Affiliated Hospital of Soochow University
Classification: Pathogenic for Hereditary spherocytosis type 2. Last evaluated: 2022-03-01. Review status: criteria provided, single submitter. Criteria: ACMG Guidelines, 2015. Collection method: research. Allele origin: inherited. Affected: yes.

Juno Genomics, Hangzhou Juno Genomics, Inc
Classification: Pathogenic for Hereditary spherocytosis type 2; Elliptocytosis 3. Review status: criteria provided, single submitter. Criteria: ACMG Guidelines, 2015. Collection method: clinical testing. Allele origin: germline. Affected: yes.
Comment: Absent from controls (or at extremely low frequency if recessive) in Genome Aggregation Database, Exome Sequencing Project, 1000 Genomes Project, or Exome Aggregation Consortium.;Null variant in a gene where loss of function (LOF) is a known mechanism of disease.;Patient's phenotype or family history is highly specific for a disease with a single genetic etiology.